The following is an entry in ClinVar:

NM_007294.4(BRCA1):c.5526A>C (p.Val1842=)

Gene: BRCA1 (BRCA1 DNA repair associated; minus strand). Cytogenetic location: 17q21.31.
Variant type: single nucleotide variant.
Coding change: c.5526A>C on transcript NM_007294.4 (MANE Select); coding-DNA position 5526, A replaced by C.
Protein change: p.Val1842=; no amino-acid change (valine 1842 retained).
Molecular consequence: synonymous variant. On other transcripts: 3 prime UTR variant (17).
Genome position (GRCh38, 1-based): chr17:43,045,744, T>G on the plus strand (A>C on the coding strand, the complement: BRCA1 is on the minus strand). VCF-style: chr17-43045744-T-G. GRCh37 (hg19) VCF-style: chr17-41197761-T-G.
Other names: c.5394A>C, p.Val1798= (NM_001407690.1, NM_001407691.1); c.5385A>C, p.Val1795= (NM_001407692.1, NM_001407694.1, NM_001407695.1 and 12 more transcripts); c.5382A>C, p.Val1794= (NM_001407732.1, NM_001407733.1, NM_001407734.1 and 18 more transcripts); c.5379A>C, p.Val1793= (NM_001407838.1, NM_001407839.1, NM_001407841.1 and 12 more transcripts); c.*40A>C (NM_001407854.1, NM_001407858.1, NM_001407859.1 and 14 more transcripts); c.5325A>C, p.Val1775= (NM_001407862.1); c.5322A>C, p.Val1774= (NM_001407863.1); c.5319A>C, p.Val1773= (NM_001407874.1, NM_001407875.1); and 74 more.
Identifiers: ClinVar variation 864972 (VCV000864972.3), dbSNP rs1555574397, ClinGen allele CA500142897.
Genomic context (GRCh38, chr17:43,045,744, plus strand): 5'-GTGGCTGTGGGGGATCTGGGGTATCAGGTAGGTGTCCAGCTCCTGGCACTGGTAGAGTGC[T>G]ACACTGTCCAACACCCACTCTCGGGTCACCACAGGTGCCTCACACATCTGCCCAATTGCT-3'
Protein context (NP_009225.1, residues 1832-1852): VVTREWVLDS[Val1842=]ALYQCQELDT

Conditions:
Breast-ovarian cancer, familial, susceptibility to, 1 (BROVCA1). Also called: BRCA1 Hereditary Breast and Ovarian Cancer; OVARIAN CANCER, SUSCEPTIBILITY TO. Identifiers: Orphanet 145, MedGen C2676676, MONDO:0011450, OMIM 604370. Disease mechanism: loss of function.

Submission:

Brotman Baty Institute, University of Washington
No classification provided (evidence only). Condition: Breast-ovarian cancer, familial 1. Review status: no classification provided. Collection method: in vitro. Allele origin: not applicable. Functional consequence: functionally_normal.
ClinVar note: "not provided" was previously submitted as the classification for the variant. However, the classification appeared to be based only on an observation of functional data so it was converted to no classification on 2025-07-30.